The following is an entry in ClinVar:

ClinVar aggregate classification (germline): Likely benign. Review status: criteria provided, multiple submitters, no conflicts (2 of 4 stars). 3 submissions from 3 submitters: Likely benign (3). Last evaluated 2026-01-01.

Allele frequency attached by ClinVar (database versions not stated): 1000 Genomes Project 0.00020; 1000 Genomes Project 30x 0.00031; ESP Exome Variant Server 0.00062; gnomAD 0.00062; TOPMed 0.00073; ExAC 0.00078; gnomAD exomes 0.00082 and 0.00090.
gnomAD v4.1: 1,438 of 1,614,132 alleles (0.089%); highest among the groups gnomAD compares: Middle Eastern, 0.38%; 1 homozygote.

Submissions (3):

CeGaT Center for Human Genetics Tuebingen
Classification: Likely benign. Last evaluated: 2026-01-01. Review status: criteria provided, single submitter. Criteria: CeGaT Center For Human Genetics Tuebingen Variant Classification Criteria Version 2. Collection method: clinical testing. Allele origin: germline. Affected: yes. Observed: 12 variant alleles.
Comment: KMT2C: BP4, BP7, BS1

Labcorp Genetics (formerly Invitae), Labcorp
Classification: Likely benign. Last evaluated: 2025-11-10. Review status: criteria provided, single submitter. Criteria: Invitae Variant Classification Sherloc (09022015). Collection method: clinical testing. Allele origin: germline.

Blueprint Genetics
Classification: Likely benign. Last evaluated: 2024-11-21. Review status: criteria provided, single submitter. Criteria: ACMG Guidelines, 2015. Collection method: clinical testing. Allele origin: germline.

NM_170606.3(KMT2C):c.7233A>G (p.Ser2411=)

Gene: KMT2C (lysine methyltransferase 2C; minus strand). Cytogenetic location: 7q36.1.
Variant type: single nucleotide variant.
Coding change: c.7233A>G on transcript NM_170606.3 (MANE Select); coding-DNA position 7233, A replaced by G.
Protein change: p.Ser2411=; no amino-acid change (serine 2411 retained).
Molecular consequence: synonymous variant.
Genome position (GRCh38, 1-based): chr7:152,180,043, T>C on the plus strand (A>G on the coding strand, the complement: KMT2C is on the minus strand). VCF-style: chr7-152180043-T-C. GRCh37 (hg19) VCF-style: chr7-151877128-T-C.
Identifiers: ClinVar variation 1701540 (VCV001701540.37), dbSNP rs138464665, ClinGen allele CA4579913.